The following is an entry in ClinVar:

ClinVar aggregate classification (germline): Uncertain significance (1 of 4 stars; one submission).

Allele frequency attached by ClinVar (database versions not stated): TOPMed 0.00002; ExAC 0.00003.
gnomAD v4.1: 20 of 1,612,268 alleles (0.0012%); highest among the groups gnomAD compares: East Asian, 0.0022%; no homozygotes.

Submission:

Labcorp Genetics (formerly Invitae), Labcorp
Classification: Uncertain significance. Last evaluated: 2022-08-22. Review status: criteria provided, single submitter. Criteria: Invitae Variant Classification Sherloc (09022015). Collection method: clinical testing. Allele origin: germline.
Comment: This sequence change replaces arginine, which is basic and polar, with histidine, which is basic and polar, at codon 578 of the SKIV2L protein (p.Arg578His). This variant is present in population databases (rs765151233, gnomAD 0.006%). This variant has not been reported in the literature in individuals affected with SKIV2L-related conditions. Algorithms developed to predict the effect of missense changes on protein structure and function are either unavailable or do not agree on the potential impact of this missense change (SIFT: "Deleterious"; PolyPhen-2: "Probably Damaging"; Align-GVGD: "Class C0"). In summary, the available evidence is currently insufficient to determine the role of this variant in disease. Therefore, it has been classified as a Variant of Uncertain Significance.

NM_006929.5(SKIC2):c.1733G>A (p.Arg578His)

Gene: SKIC2 (SKI2 subunit of superkiller complex; plus strand). Cytogenetic location: 6p21.33.
Variant type: single nucleotide variant.
Coding change: c.1733G>A on transcript NM_006929.5 (MANE Select); coding-DNA position 1733, G replaced by A.
Protein change: p.Arg578His; replaces arginine 578 with histidine.
Molecular consequence: missense variant.
Genome position (GRCh38, 1-based): chr6:31,963,998, G>A. VCF-style: chr6-31963998-G-A. GRCh37 (hg19) VCF-style: chr6-31931775-G-A.
Other names: short protein forms R578H.
Identifiers: ClinVar variation 2200193 (VCV002200193.1), dbSNP rs765151233, ClinGen allele CA3729571.